The following is an entry in ClinVar:

NM_001408.3(CELSR2):c.7044C>T (p.His2348=)

Gene: CELSR2 (cadherin EGF LAG seven-pass G-type receptor 2; plus strand). Cytogenetic location: 1p13.3.
Variant type: single nucleotide variant.
Coding change: c.7044C>T on transcript NM_001408.3 (MANE Select); coding-DNA position 7044, C replaced by T.
Protein change: p.His2348=; no amino-acid change (histidine 2348 retained).
Molecular consequence: synonymous variant.
Genome position (GRCh38, 1-based): chr1:109,269,757, C>T. VCF-style: chr1-109269757-C-T. GRCh37 (hg19) VCF-style: chr1-109812379-C-T.
Identifiers: ClinVar variation 1547652 (VCV001547652.32), dbSNP rs150989889, ClinGen allele CA988100.

ClinVar aggregate classification (germline): Benign/Likely benign. Review status: criteria provided, multiple submitters, no conflicts (2 of 4 stars). 3 submissions from 3 submitters: Benign (1); Likely benign (2). Last evaluated 2025-08-29.

Allele frequency attached by ClinVar (database versions not stated): 1000 Genomes Project 30x 0.00016; 1000 Genomes Project 0.00020; ESP Exome Variant Server 0.00023; TOPMed 0.00028; gnomAD exomes 0.00033 and 0.00049; ExAC 0.00045; gnomAD 0.00053 and 0.00055.
gnomAD v4.1: 547 of 1,613,878 alleles (0.034%); highest among the groups gnomAD compares: Non-Finnish European, 0.031%; 1 homozygote.

Submissions (3):

Labcorp Genetics (formerly Invitae), Labcorp
Classification: Benign. Last evaluated: 2025-08-29. Review status: criteria provided, single submitter. Criteria: Invitae Variant Classification Sherloc (09022015). Collection method: clinical testing. Allele origin: germline.

Blueprint Genetics
Classification: Likely benign. Last evaluated: 2024-11-05. Review status: criteria provided, single submitter. Criteria: ACMG Guidelines, 2015. Collection method: clinical testing. Allele origin: germline.

CeGaT Center for Human Genetics Tuebingen
Classification: Likely benign. Last evaluated: 2022-05-01. Review status: criteria provided, single submitter. Criteria: CeGaT Center For Human Genetics Tuebingen Variant Classification Criteria Version 2. Collection method: clinical testing. Allele origin: germline. Affected: yes. Observed: 1 variant allele.
Comment: CELSR2: BP4, BP7